The following is an entry in ClinVar:

ClinVar aggregate classification (germline): Conflicting classifications of pathogenicity. Review status: criteria provided, conflicting classifications (1 of 4 stars). 2 submissions from 2 submitters: Pathogenic (1); Uncertain significance (1). Last evaluated 2023-07-06.

Submissions (2):

Blueprint Genetics
Classification: Uncertain significance. Last evaluated: 2023-07-06. Review status: criteria provided, single submitter. Criteria: ACMG Guidelines, 2015. Collection method: clinical testing. Allele origin: germline.

Labcorp Genetics (formerly Invitae), Labcorp
Classification: Pathogenic. Last evaluated: 2022-08-30. Review status: criteria provided, single submitter. Criteria: Invitae Variant Classification Sherloc (09022015). Collection method: clinical testing. Allele origin: germline.
Comment: This sequence change falls in intron 19 of the ABCA4 gene. It does not directly change the encoded amino acid sequence of the ABCA4 protein. It affects a nucleotide within the consensus splice site. This variant is not present in population databases (gnomAD no frequency). This variant has been observed in individual(s) with ABCA4-related conditions (PMID: 29847651; Invitae). Variants that disrupt the consensus splice site are a relatively common cause of aberrant splicing (PMID: 17576681, 9536098). Algorithms developed to predict the effect of sequence changes on RNA splicing suggest that this variant may disrupt the consensus splice site. For these reasons, this variant has been classified as Pathogenic.

Literature cited by the submitters: PubMed 29847651 (cited by Labcorp Genetics (formerly Invitae), Labcorp); PubMed 17576681 (cited by Labcorp Genetics (formerly Invitae), Labcorp); PubMed 9536098 (cited by Labcorp Genetics (formerly Invitae), Labcorp).

NM_000350.3(ABCA4):c.2918+5G>A

Gene: ABCA4 (ATP binding cassette subfamily A member 4; minus strand). Cytogenetic location: 1p22.1.
Variant type: single nucleotide variant.
Coding change: c.2918+5G>A on transcript NM_000350.3 (MANE Select); 5 bases into the intron after coding-DNA position 2918, G replaced by A.
Molecular consequence: intron variant.
Genome position (GRCh38, 1-based): chr1:94,046,914, C>T on the plus strand (G>A on the coding strand, the complement: ABCA4 is on the minus strand). VCF-style: chr1-94046914-C-T. GRCh37 (hg19) VCF-style: chr1-94512470-C-T.
Identifiers: ClinVar variation 2151887 (VCV002151887.5), dbSNP rs2523790513, ClinGen allele CA2580063347.